The following is an entry in ClinVar:

NM_025137.4(SPG11):c.7275T>G (p.Asn2425Lys)

Gene: SPG11 (SPG11 vesicle trafficking associated, spatacsin; minus strand). Cytogenetic location: 15q21.1.
Variant type: single nucleotide variant.
Coding change: c.7275T>G on transcript NM_025137.4 (MANE Select); coding-DNA position 7275, T replaced by G.
Protein change: p.Asn2425Lys; replaces asparagine 2425 with lysine.
Molecular consequence: missense variant.
Genome position (GRCh38, 1-based): chr15:44,563,178, A>C on the plus strand (T>G on the coding strand, the complement: SPG11 is on the minus strand). VCF-style: chr15-44563178-A-C. GRCh37 (hg19) VCF-style: chr15-44855376-A-C.
Other names: c.6936T>G, p.Asn2312Lys (NM_001160227.2); short protein forms N2312K, N2425K.
Identifiers: ClinVar variation 958343 (VCV000958343.11), dbSNP rs778864726, ClinGen allele CA392210107.
Genomic context (GRCh38, chr15:44,563,178, plus strand): 5'-CATCTAACCTGCTAGCATGTCCTTTAGACAGCAACCTGTCTGAGGGTCCTTCAGAAGCAC[A>C]TTTACAATTTCATAAAACTTGTGTTCGTATGCCAACTTGTAATACAGGTAAACATCTTCA-3'
Protein context (NP_079413.3, residues 2415-2435): AYEHKFYEIV[Asn2425Lys]VLLKDPQTGC

ClinVar aggregate classification (germline): Uncertain significance. Review status: criteria provided, multiple submitters, no conflicts (2 of 4 stars). 3 submissions from 3 submitters: Uncertain significance (3). Last evaluated 2025-07-04.

Conditions:
Inborn genetic diseases. Identifiers: MedGen C0950123, MeSH D030342.
Hereditary spastic paraplegia 11. Also called: Nakamura Osame syndrome; Autosomal recessive hereditary spastic paraplegia, mental impairment, and thin corpus callosum; Spastic Paraplegia 11; SPASTIC PARAPLEGIA, AUTOSOMAL RECESSIVE, COMPLICATED, WITH THIN CORPUS CALLOSUM; SPASTIC PARAPLEGIA, AUTOSOMAL RECESSIVE, WITH MENTAL IMPAIRMENT AND THIN CORPUS CALLOSUM; Spastic paraplegia, mental retardation and thin corpus callosum. Identifiers: Orphanet 2822, MedGen C1858479, MONDO:0011445, OMIM 604360.

Allele frequency attached by ClinVar (database versions not stated): gnomAD 0.00001.
gnomAD v4.1: 2 of 1,614,110 alleles (0.00012%); highest among the groups gnomAD compares: Non-Finnish European, 0.00017%; no homozygotes.

Submissions (3):

Dasa
Classification: Uncertain significance. Last evaluated: 2025-07-04. Review status: criteria provided, single submitter. Criteria: DASA Assertion Criteria. Collection method: clinical testing. Allele origin: germline.
Comment: NM_025137.4(SPG11):c.7275T>G (p.Asn2425Lys) is a missense variant that results in the substitution of asparagine with lysine. This variant is rare in population databases. Computational prediction algorithms are consistent with a benign effect. The currently available literature and clinical evidence are not sufficient to establish a definitive association between this variant and the reported condition. Therefore, this variant is classified as a variant of uncertain significance.

Ambry Genetics
Classification: Uncertain significance for Inborn genetic diseases. Last evaluated: 2024-11-24. Review status: criteria provided, single submitter. Criteria: Ambry Variant Classification Scheme 2023. Collection method: clinical testing. Allele origin: germline.

Labcorp Genetics (formerly Invitae), Labcorp
Classification: Uncertain significance for Hereditary spastic paraplegia 11. Last evaluated: 2021-08-28. Review status: criteria provided, single submitter. Criteria: Invitae Variant Classification Sherloc (09022015). Collection method: clinical testing. Allele origin: germline.
Comment: This sequence change replaces asparagine with lysine at codon 2425 of the SPG11 protein (p.Asn2425Lys). The asparagine residue is moderately conserved and there is a moderate physicochemical difference between asparagine and lysine. This variant is not present in population databases (ExAC no frequency). This variant has not been reported in the literature in individuals affected with SPG11-related conditions. Algorithms developed to predict the effect of missense changes on protein structure and function output the following: SIFT: "Tolerated"; PolyPhen-2: "Possibly Damaging"; Align-GVGD: "Class C0". The lysine amino acid residue is found in multiple mammalian species, which suggests that this missense change does not adversely affect protein function. Algorithms developed to predict the effect of sequence changes on RNA splicing suggest that this variant may create or strengthen a splice site. In summary, the available evidence is currently insufficient to determine the role of this variant in disease. Therefore, it has been classified as a Variant of Uncertain Significance.